The following is an entry in ClinVar:

NM_000535.7(PMS2):c.497T>A (p.Leu166Gln)

Gene: PMS2 (PMS1 homolog 2, mismatch repair system component; minus strand). Cytogenetic location: 7p22.1.
Variant type: single nucleotide variant.
Coding change: c.497T>A on transcript NM_000535.7 (MANE Select); coding-DNA position 497, T replaced by A.
Protein change: p.Leu166Gln; replaces leucine 166 with glutamine.
Molecular consequence: missense variant. On other transcripts: non-coding transcript variant (1), intron variant (1), 5 prime UTR variant (2).
Genome position (GRCh38, 1-based): chr7:6,002,493, A>T on the plus strand (T>A on the coding strand, the complement: PMS2 is on the minus strand). VCF-style: chr7-6002493-A-T. GRCh37 (hg19) VCF-style: chr7-6042124-A-T.
Other names: c.92T>A, p.Leu31Gln (NM_001406905.1, NM_001406906.1, NM_001406907.1 and 25 more transcripts); c.497T>A, p.Leu166Gln (NM_001406912.1, NM_001322006.2, NM_001322014.2 and 8 more transcripts); c.250+1479T>A (NM_001406885.1); c.179T>A, p.Leu60Gln (NM_001322007.2, NM_001322008.2, NM_001406876.1 and 4 more transcripts); c.-388T>A (NM_001322011.2, NM_001322012.2); c.188T>A, p.Leu63Gln (NM_001322015.2, NM_001406875.1, NM_001406877.1 and 6 more transcripts); c.683T>A, p.Leu228Gln (NM_001406866.1); c.521T>A, p.Leu174Gln (NM_001406868.1); short protein forms L166Q, L228Q, L63Q, L60Q, L174Q, L31Q.
Identifiers: ClinVar variation 2451615 (VCV002451615.2), dbSNP rs116349687, ClinGen allele CA366744234.

ClinVar aggregate classification (germline): Uncertain significance (1 of 4 stars; one submission).

Conditions:
Hereditary cancer-predisposing syndrome. Also called: Neoplastic Syndromes, Hereditary; Tumor predisposition; Hereditary neoplastic syndrome; Hereditary Cancer Syndrome. Identifiers: Orphanet 140162, MedGen C0027672, MeSH D009386, MONDO:0015356.

Submission:

Ambry Genetics
Classification: Uncertain significance for Hereditary cancer-predisposing syndrome. Last evaluated: 2023-01-17. Review status: criteria provided, single submitter. Criteria: Ambry Variant Classification Scheme 2023. Collection method: clinical testing. Allele origin: germline.
Comment: The p.L166Q variant (also known as c.497T>A), located in coding exon 5 of the PMS2 gene, results from a T to A substitution at nucleotide position 497. The leucine at codon 166 is replaced by glutamine, an amino acid with dissimilar properties. This amino acid position is conserved. In addition, this alteration is predicted to be deleterious by in silico analysis. Since supporting evidence is limited at this time, the clinical significance of this alteration remains unclear.